The following is an entry in ClinVar:

ClinVar aggregate classification (germline): Likely pathogenic (1 of 4 stars; one submission).

Conditions:
COL1A1-related disorder. Also called: COL1A1-related condition; COL1A1- related disease.

Submission:

3billion
Classification: Likely pathogenic for COL1A1-related disorder. Last evaluated: 2026-01-29. Review status: criteria provided, single submitter. Criteria: ACMG Guidelines, 2015. Collection method: clinical testing. Allele origin: germline. Affected: yes.
Comment: The variant is not observed in the gnomAD v4.1.0 dataset. Predicted Consequence/Location: The variant is located in a mutational hot spot and/or well-established functional domain in which established pathogenic variants have been reported (PMID: 19344236). In silico tool predictions suggest damaging effect of the variant on gene or gene product [REVEL: 0.98 (>=0.6, sensitivity 0.68 and specificity 0.92)]. A different missense change at the same codon (p.Gly1172Asp) has been reported to be associated with COL1A1-related disorder (PMID: 10627137). Therefore, this variant is classified as Likely pathogenic according to the recommendation of ACMG/AMP guideline.

Literature cited by the submitters: PubMed 10627137.

NM_000088.4(COL1A1):c.3514G>C (p.Gly1172Arg)

Gene: COL1A1 (collagen type I alpha 1 chain; minus strand). Cytogenetic location: 17q21.33.
Variant type: single nucleotide variant.
Coding change: c.3514G>C on transcript NM_000088.4 (MANE Select); coding-DNA position 3514, G replaced by C.
Protein change: p.Gly1172Arg; replaces glycine 1172 with arginine.
Molecular consequence: missense variant.
Genome position (GRCh38, 1-based): chr17:50,187,032, C>G on the plus strand (G>C on the coding strand, the complement: COL1A1 is on the minus strand). VCF-style: chr17-50187032-C-G. GRCh37 (hg19) VCF-style: chr17-48264393-C-G.
Other names: short protein forms G1172R.
Identifiers: ClinVar variation 4854555 (VCV004854555.1).
Genomic context (GRCh38, chr17:50,187,032, plus strand): 5'-GGGGCTGGAGGGCCATGAGCAGAGGGGATGAGGGGCTACATACAACAGGACCAGCATCAC[C>G]AGTGCGACCGCGAGGACCAGGGGGCCCAATGGGGCCAGGGAGACCGTTGAGTCCATCTTT-3'
Protein context (NP_000079.2, residues 1162-1182): IGPPGPRGRT[Gly1172Arg]DAGPVGPPGP